The following is an entry in ClinVar:

NM_024301.5(FKRP):c.862G>A (p.Gly288Ser)

Gene: FKRP (fukutin related protein; plus strand). Cytogenetic location: 19q13.32.
Variant type: single nucleotide variant.
Coding change: c.862G>A on transcript NM_024301.5 (MANE Select); coding-DNA position 862, G replaced by A.
Protein change: p.Gly288Ser; replaces glycine 288 with serine.
Molecular consequence: missense variant.
Genome position (GRCh38, 1-based): chr19:46,756,312, G>A. VCF-style: chr19-46756312-G-A. GRCh37 (hg19) VCF-style: chr19-47259569-G-A.
Other names: c.862G>A, p.Gly288Ser (NM_001039885.3); short protein forms G288S.
Identifiers: ClinVar variation 3665202 (VCV003665202.5).

ClinVar aggregate classification (germline): Conflicting classifications of pathogenicity. Review status: criteria provided, conflicting classifications (1 of 4 stars). 3 submissions from 3 submitters: Pathogenic (1); Likely pathogenic (1); Uncertain significance (1). Last evaluated 2026-08-20.

Conditions:
Myopathy caused by variation in FKRP. Identifiers: MedGen CN305637, MONDO:0700066.
Walker-Warburg congenital muscular dystrophy. Also called: Muscular dystrophy-dystroglycanopathy, type A; Walker-Warburg syndrome. Identifiers: Orphanet 899, MedGen C0265221, MONDO:0000171.

Submissions (3):

Myriad Genetics, Inc.
Classification: Likely pathogenic for Myopathy caused by variation in FKRP. Last evaluated: 2026-08-20. Review status: criteria provided, single submitter. Criteria: Myriad Autosomal Dominant, Autosomal Recessive and X-Linked Classification Criteria (2023). Collection method: clinical testing. Allele origin: unknown.
Comment: NM_024301.4(FKRP):c.862G>A(G288S) is a missense variant classified as likely pathogenic in the context of FKRP-related disorders. G288S has been observed in a case with relevant disease (PMID: 33200426). Relevant functional assessments of this variant are available in the literature (PMID: 39326416). G288S has not been observed in referenced population frequency databases. In summary, NM_024301.4(FKRP):c.862G>A(G288S) is a missense variant that has both functional and internal structural support for pathogenicity and has been observed more frequently in cases with the relevant disease than in healthy populations. Please note: this variant was assessed in the context of healthy population screening.

Women's Health and Genetics/Laboratory Corporation of America, LabCorp
Classification: Uncertain significance. Last evaluated: 2025-04-17. Review status: criteria provided, single submitter. Criteria: LabCorp Variant Classification Summary - May 2015. Collection method: clinical testing. Allele origin: germline.
Comment: Variant summary: FKRP c.862G>A (p.Gly288Ser) results in a non-conservative amino acid change in the encoded protein sequence. Five of five in-silico tools predict a damaging effect of the variant on protein function. The frequency data for this variant in gnomAD is considered unreliable, as metrics indicate poor data quality at this position. c.862G>A has been observed in individual(s) affected with Limb-Girdle Muscular Dystrophy, Autosomal Recessive (Song_2021, Invitae). These data may be associated with disease. To our knowledge, no experimental evidence demonstrating an impact on protein function has been reported. The following publication have been ascertained in the context of this evaluation (PMID: 33200426). ClinVar contains an entry for this variant (Variation ID: 3665202). Based on the evidence outlined above, the variant was classified as VUS-possibly pathogenic.

Labcorp Genetics (formerly Invitae), Labcorp
Classification: Pathogenic for Walker-Warburg congenital muscular dystrophy. Last evaluated: 2024-05-10. Review status: criteria provided, single submitter. Criteria: Invitae Variant Classification Sherloc (09022015). Collection method: clinical testing. Allele origin: germline.
Comment: This sequence change replaces glycine, which is neutral and non-polar, with serine, which is neutral and polar, at codon 288 of the FKRP protein (p.Gly288Ser). This variant is not present in population databases (gnomAD no frequency). This missense change has been observed in individual(s) with limb-girdle muscular dystrophy (PMID: 33200426; Invitae). In at least one individual the data is consistent with being in trans (on the opposite chromosome) from a pathogenic variant. Advanced modeling of protein sequence and biophysical properties (such as structural, functional, and spatial information, amino acid conservation, physicochemical variation, residue mobility, and thermodynamic stability) performed at Invitae indicates that this missense variant is expected to disrupt FKRP protein function with a positive predictive value of 95%. This variant disrupts the p.Gly288 amino acid residue in FKRP. Other variant(s) that disrupt this residue have been determined to be pathogenic (Invitae). This suggests that this residue is clinically significant, and that variants that disrupt this residue are likely to be disease-causing. For these reasons, this variant has been classified as Pathogenic.

Literature cited by the submitters: PubMed 33200426 (cited by 3 submitters); PubMed 39326416 (cited by Myriad Genetics, Inc.).